The following is an entry in ClinVar:

ClinVar aggregate classification (germline): Uncertain significance (1 of 4 stars; one submission).

Conditions:
Fanconi anemia (FA). Also called: Fanconi's anemia. Identifiers: Orphanet 84, MedGen C0015625, MeSH D005199, MONDO:0019391.

Allele frequency attached by ClinVar (database versions not stated): gnomAD exomes below 0.00001; gnomAD 0.00001; TOPMed 0.00001.

Submission:

Labcorp Genetics (formerly Invitae), Labcorp
Classification: Uncertain significance for Fanconi anemia. Last evaluated: 2025-12-20. Review status: criteria provided, single submitter. Criteria: Invitae Variant Classification Sherloc (09022015). Collection method: clinical testing. Allele origin: germline.
Comment: This sequence change replaces threonine, which is neutral and polar, with alanine, which is neutral and non-polar, at codon 169 of the FANCM protein (p.Thr169Ala). This variant is not present in population databases (gnomAD no frequency). This variant has not been reported in the literature in individuals affected with FANCM-related conditions. ClinVar contains an entry for this variant (Variation ID: 2746846). An algorithm developed to predict the effect of missense changes on protein structure and function (PolyPhen-2) suggests that this variant is likely to be disruptive. In summary, the available evidence is currently insufficient to determine the role of this variant in disease. Therefore, it has been classified as a Variant of Uncertain Significance.

NM_020937.4(FANCM):c.505A>G (p.Thr169Ala)

Gene: FANCM (FA complementation group M; plus strand). Cytogenetic location: 14q21.2.
Variant type: single nucleotide variant.
Coding change: c.505A>G on transcript NM_020937.4 (MANE Select); coding-DNA position 505, A replaced by G.
Protein change: p.Thr169Ala; replaces threonine 169 with alanine.
Molecular consequence: missense variant.
Genome position (GRCh38, 1-based): chr14:45,136,536, A>G. VCF-style: chr14-45136536-A-G. GRCh37 (hg19) VCF-style: chr14-45605739-A-G.
Other names: c.505A>G, p.Thr169Ala (NM_001308133.2, NM_001308134.2); short protein forms T169A.
Identifiers: ClinVar variation 2746846 (VCV002746846.3), dbSNP rs1290398545, ClinGen allele CA389588568.